The following is an entry in ClinVar:

ClinVar aggregate classification (germline): Uncertain significance (1 of 4 stars; one submission).

Conditions:
Intellectual developmental disorder, autosomal dominant 1. Also called: Intellectual disability, autosomal dominant 1; MBD5 Haploinsufficiency. Identifiers: Orphanet 228402, MedGen C1969562, MONDO:0007974, OMIM 156200.

Allele frequency attached by ClinVar (database versions not stated): gnomAD exomes below 0.00001.
gnomAD v4.1: 2 of 1,613,888 alleles (0.00012%); highest among the groups gnomAD compares: East Asian, 0.0022%; no homozygotes.

Submission:

Labcorp Genetics (formerly Invitae), Labcorp
Classification: Uncertain significance for Intellectual developmental disorder, autosomal dominant 1. Last evaluated: 2022-07-12. Review status: criteria provided, single submitter. Criteria: Invitae Variant Classification Sherloc (09022015). Collection method: clinical testing. Allele origin: germline.
Comment: This variant has not been reported in the literature in individuals affected with MBD5-related conditions. In summary, the available evidence is currently insufficient to determine the role of this variant in disease. Therefore, it has been classified as a Variant of Uncertain Significance. Algorithms developed to predict the effect of missense changes on protein structure and function are either unavailable or do not agree on the potential impact of this missense change (SIFT: "Deleterious"; PolyPhen-2: "Benign"; Align-GVGD: "Class C0"). ClinVar contains an entry for this variant (Variation ID: 1503125). This variant is not present in population databases (gnomAD no frequency). This sequence change replaces serine, which is neutral and polar, with asparagine, which is neutral and polar, at codon 549 of the MBD5 protein (p.Ser549Asn).

NM_001378120.1(MBD5):c.1646G>A (p.Ser549Asn)

Gene: MBD5 (methyl-CpG binding domain protein 5; plus strand). Cytogenetic location: 2q23.1.
Variant type: single nucleotide variant.
Coding change: c.1646G>A on transcript NM_001378120.1 (MANE Select); coding-DNA position 1646, G replaced by A.
Protein change: p.Ser549Asn; replaces serine 549 with asparagine.
Molecular consequence: missense variant.
Genome position (GRCh38, 1-based): chr2:148,469,589, G>A. VCF-style: chr2-148469589-G-A. GRCh37 (hg19) VCF-style: chr2-149227158-G-A.
Other names: c.1646G>A, p.Ser549Asn (NM_018328.5); short protein forms S549N.
Identifiers: ClinVar variation 1503125 (VCV001503125.6), dbSNP rs2105635382, ClinGen allele CA348720124.
Genomic context (GRCh38, chr2:148,469,589, plus strand): 5'-TAAGTAATGTACTAAATACCCCAAGCAGTGCAGCTTTTCCTACTGCATCTGCCGGAAGTA[G>A]TTCTGTAAAGAGTCAGCCTGGTTTGCTGGGAATGCCTTTAAATCAGATCTTGAACCAGCA-3'
Protein context (NP_001365049.1, residues 539-559): AAFPTASAGS[Ser549Asn]SVKSQPGLLG